The following is an entry in ClinVar:

ClinVar aggregate classification (germline): Uncertain significance. Review status: criteria provided, multiple submitters, no conflicts (2 of 4 stars). 2 submissions from 2 submitters: Uncertain significance (2). Last evaluated 2026-04-13.

Conditions:
Hereditary cancer-predisposing syndrome. Also called: Neoplastic Syndromes, Hereditary; Tumor predisposition; Hereditary Cancer Syndrome; Hereditary neoplastic syndrome. Identifiers: Orphanet 140162, MedGen C0027672, MeSH D009386, MONDO:0015356.
Mitochondrial complex II deficiency, nuclear type 1. Also called: SUCCINATE CoQ REDUCTASE DEFICIENCY. Identifiers: Orphanet 3208, MedGen C5700310, MONDO:0100294, OMIM 252011.
Pheochromocytoma/paraganglioma syndrome 5. Also called: Paragangliomas 5; SDHA-Related Hereditary Paraganglioma-Pheochromocytoma Syndrome. Identifiers: Orphanet 29072, MedGen C3279992, MONDO:0013602, OMIM 614165.

Submissions (2):

Ambry Genetics
Classification: Uncertain significance for Hereditary cancer-predisposing syndrome. Last evaluated: 2026-04-13. Review status: criteria provided, single submitter. Criteria: Ambry Variant Classification Scheme 2023. Collection method: clinical testing. Allele origin: germline.
Comment: The p.Q294E variant (also known as c.880C>G), located in coding exon 7 of the SDHA gene, results from a C to G substitution at nucleotide position 880. The glutamine at codon 294 is replaced by glutamic acid, an amino acid with highly similar properties. This amino acid position is conserved. In addition, this alteration is predicted to be deleterious by in silico analysis. Based on the available evidence, the clinical significance of this variant remains unclear.

Labcorp Genetics (formerly Invitae), Labcorp
Classification: Uncertain significance for Pheochromocytoma/paraganglioma syndrome 5; Mitochondrial complex II deficiency, nuclear type 1. Last evaluated: 2025-06-04. Review status: criteria provided, single submitter. Criteria: Invitae Variant Classification Sherloc (09022015). Collection method: clinical testing. Allele origin: germline.
Comment: This sequence change replaces glutamine, which is neutral and polar, with glutamic acid, which is acidic and polar, at codon 294 of the SDHA protein (p.Gln294Glu). This variant is not present in population databases (gnomAD no frequency). This variant has not been reported in the literature in individuals affected with SDHA-related conditions. Invitae Evidence Modeling of protein sequence and biophysical properties (such as structural, functional, and spatial information, amino acid conservation, physicochemical variation, residue mobility, and thermodynamic stability) has been performed for this missense variant. However, the output from this modeling did not meet the statistical confidence thresholds required to predict the impact of this variant on SDHA protein function. In summary, the available evidence is currently insufficient to determine the role of this variant in disease. Therefore, it has been classified as a Variant of Uncertain Significance.

NM_004168.4(SDHA):c.880C>G (p.Gln294Glu)

Gene: SDHA (succinate dehydrogenase complex flavoprotein subunit A; plus strand). Cytogenetic location: 5p15.33.
Variant type: single nucleotide variant.
Coding change: c.880C>G on transcript NM_004168.4 (MANE Select); coding-DNA position 880, C replaced by G.
Protein change: p.Gln294Glu; replaces glutamine 294 with glutamic acid.
Molecular consequence: missense variant.
Genome position (GRCh38, 1-based): chr5:230,985, C>G. VCF-style: chr5-230985-C-G. GRCh37 (hg19) VCF-style: chr5-231100-C-G.
Other names: c.736C>G, p.Gln246Glu (NM_001294332.2); c.880C>G, p.Gln294Glu (NM_001330758.2); c.880C>G (NM_004168.2); short protein forms Q246E, Q294E.
Identifiers: ClinVar variation 4789226 (VCV004789226.2).